The following is an entry in ClinVar:

NM_145068.4(TRPV3):c.1293G>A (p.Met431Ile)

Gene: TRPV3 (transient receptor potential cation channel subfamily V member 3; minus strand). Cytogenetic location: 17p13.2.
Variant type: single nucleotide variant.
Coding change: c.1293G>A on transcript NM_145068.4 (MANE Select); coding-DNA position 1293, G replaced by A.
Protein change: p.Met431Ile; replaces methionine 431 with isoleucine.
Molecular consequence: missense variant.
Genome position (GRCh38, 1-based): chr17:3,528,945, C>T on the plus strand (G>A on the coding strand, the complement: TRPV3 is on the minus strand). VCF-style: chr17-3528945-C-T. GRCh37 (hg19) VCF-style: chr17-3432239-C-T.
Other names: c.1293G>A, p.Met431Ile (NM_001258205.2); short protein forms M431I.
Identifiers: ClinVar variation 4191953 (VCV004191953.7).

ClinVar aggregate classification (germline): Conflicting classifications of pathogenicity. Review status: criteria provided, conflicting classifications (1 of 4 stars). 2 submissions from 2 submitters: Uncertain significance (1); Likely benign (1). Last evaluated 2025-11-01.

Conditions:
Inborn genetic diseases. Identifiers: MedGen C0950123, MeSH D030342.

gnomAD v4.1: 60 of 1,614,224 alleles (0.0037%); highest among the groups gnomAD compares: African/African-American, 0.071%; no homozygotes.

Submissions (2):

CeGaT Center for Human Genetics Tuebingen
Classification: Likely benign. Last evaluated: 2025-11-01. Review status: criteria provided, single submitter. Criteria: CeGaT Center For Human Genetics Tuebingen Variant Classification Criteria Version 2. Collection method: clinical testing. Allele origin: germline. Affected: yes. Observed: 1 variant allele.
Comment: TRPV3: BP4

Ambry Genetics
Classification: Uncertain significance for Inborn genetic diseases. Last evaluated: 2025-08-08. Review status: criteria provided, single submitter. Criteria: Ambry Variant Classification Scheme 2023. Collection method: clinical testing. Allele origin: germline.